The following is an entry in ClinVar:

ClinVar aggregate classification (germline): Uncertain significance (1 of 4 stars; one submission).

Conditions:
AHI1-related disorder. Also called: AHI1-related condition.

Submission:

PreventionGenetics, part of Exact Sciences
Classification: Uncertain significance for AHI1-related condition. Last evaluated: 2026-05-26. Review status: criteria provided, single submitter. Criteria: ACMG Guidelines, 2015. Collection method: clinical testing. Allele origin: germline.
Comment: The AHI1 c.1034T>G variant is predicted to result in the amino acid substitution p.Leu345Trp. To our knowledge, this variant has not been reported in the literature. This variant is absent in a large population database (gnomAD), indicating this variant is rare. At this time, the clinical significance of this variant is uncertain due to the absence of conclusive functional and genetic evidence.

NM_001134831.2(AHI1):c.1034T>G (p.Leu345Trp)

Gene: AHI1 (Abelson helper integration site 1; minus strand). Cytogenetic location: 6q23.3.
Variant type: single nucleotide variant.
Coding change: c.1034T>G on transcript NM_001134831.2 (MANE Select); coding-DNA position 1034, T replaced by G.
Protein change: p.Leu345Trp; replaces leucine 345 with tryptophan.
Molecular consequence: missense variant.
Genome position (GRCh38, 1-based): chr6:135,457,611, A>C on the plus strand (T>G on the coding strand, the complement: AHI1 is on the minus strand). VCF-style: chr6-135457611-A-C. GRCh37 (hg19) VCF-style: chr6-135778749-A-C.
Other names: c.1034T>G, p.Leu345Trp (NM_001134830.2, NM_001134832.2, NM_001350503.2 and 2 more transcripts); short protein forms L345W.
Identifiers: ClinVar variation 4985646 (VCV004985646.1).